The following is an entry in ClinVar:

ClinVar aggregate classification (germline): Uncertain significance (1 of 4 stars; one submission).

Submission:

Labcorp Genetics (formerly Invitae), Labcorp
Classification: Uncertain significance. Last evaluated: 2022-07-19. Review status: criteria provided, single submitter. Criteria: Invitae Variant Classification Sherloc (09022015). Collection method: clinical testing. Allele origin: germline.
Comment: This sequence change falls in intron 8 of the GNPTG gene. It does not directly change the encoded amino acid sequence of the GNPTG protein. This variant is not present in population databases (gnomAD no frequency). This variant has not been reported in the literature in individuals affected with GNPTG-related conditions. Algorithms developed to predict the effect of sequence changes on RNA splicing suggest that this variant may disrupt the consensus splice site. In summary, the available evidence is currently insufficient to determine the role of this variant in disease. Therefore, it has been classified as a Variant of Uncertain Significance.

NM_032520.5(GNPTG):c.610-3_626dup

Gene: GNPTG (N-acetylglucosamine-1-phosphate transferase subunit gamma; plus strand). Cytogenetic location: 16p13.3.
Variant type: Duplication.
Coding change: c.610-3_626dup on transcript NM_032520.5 (MANE Select); 3 bases into the intron before coding-DNA position 610 through coding-DNA position 626, 20 bases duplicated (CAGGGCCATGAGAAGTTGCT).
Molecular consequence: splice acceptor variant.
Genome position (GRCh38, 1-based): chr16:1,362,608-1,362,627, CAGGGCCATGAGAAGTTGCT duplicated; duplicating any 20 consecutive bases within chr16:1,362,607-1,362,627 gives the same sequence; the c. name uses the placement nearest the transcript's 3' end. VCF-style (leftmost placement, unchanged base first): chr16-1362606-T-TTCAGGGCCATGAGAAGTTGC. GRCh37 (hg19) VCF-style: chr16-1412607-T-TTCAGGGCCATGAGAAGTTGC.
Identifiers: ClinVar variation 1926766 (VCV001926766.2), dbSNP rs2548190600, ClinGen allele CA2580090558.
Genomic context (GRCh38, chr16:1,362,606, plus strand): 5'-CTCGGGGTGGCCCCTGGTGGGCCTGGCTGGGAGCTGGGTGCTGCCCCTGCATCCTCCACC[T>TTCAGGGCCATGAGAAGTTGC]TCAGGGCCATGAGAAGTTGCTGAGGACACTTTTTGAGGATGCTGGCTACTTAAAGACCCC-3'